The following is an entry in ClinVar:

ClinVar aggregate classification (germline): Uncertain significance (1 of 4 stars; one submission).

Conditions:
Developmental and epileptic encephalopathy, 27 (DEE27). Also called: Epileptic encephalopathy, early infantile, 27; GRIN2B-Related Neurodevelopmental Disorder. Identifiers: Orphanet 3451, MedGen C4015316, MONDO:0014505, OMIM 616139.

Submission:

Neuberg Centre For Genomic Medicine, NCGM
Classification: Uncertain significance for Developmental and epileptic encephalopathy, 27. Review status: criteria provided, single submitter. Criteria: ACMG Guidelines, 2015. Collection method: clinical testing. Allele origin: germline. Inheritance: Autosomal dominant inheritance. Affected: yes.
Comment: The missense variant c.2009A>T p.Lys670Met in the GRIN2B gene has not been reported previously as a pathogenic variant nor as a benign variant, to our knowledge. This variant is novel not in any individuals in gnomAD Exomes and 1000 Genomes. The amino acid Lysine at position 670 is changed to a Methionine changing protein sequence and it might alter its composition and physico-chemical properties. The variant is predicted as damaging by SIFT. The amino acid change p.Lys670Met in GRIN2B is predicted as conserved by GERP++ and PhyloP across 100 vertebrates. For these reasons, this variant has been classified as Uncertain Significance.

NM_000834.5(GRIN2B):c.2009A>T (p.Lys670Met)

Gene: GRIN2B (glutamate ionotropic receptor NMDA type subunit 2B; minus strand). Cytogenetic location: 12p13.1.
Variant type: single nucleotide variant.
Coding change: c.2009A>T on transcript NM_000834.5 (MANE Select); coding-DNA position 2009, A replaced by T.
Protein change: p.Lys670Met; replaces lysine 670 with methionine.
Molecular consequence: missense variant.
Genome position (GRCh38, 1-based): chr12:13,608,604, T>A on the plus strand (A>T on the coding strand, the complement: GRIN2B is on the minus strand). VCF-style: chr12-13608604-T-A. GRCh37 (hg19) VCF-style: chr12-13761538-T-A.
Other names: c.2009A>T, p.Lys670Met (NM_001413992.1); short protein forms K670M.
Identifiers: ClinVar variation 3236433 (VCV003236433.2), dbSNP rs2497582878, ClinGen allele CA384050651.
Genomic context (GRCh38, chr12:13,608,604, plus strand): 5'-TGAGTATGGCTGAGAACAGGATTGAGGGAAAGACGGGAGATTTCAAATGAGTCTCTTACC[T>A]TTTTGTCGCTCAGGCCAGAAACCTGGTCCACATATTCCTCTTGGATCATGAAGGCAGCTA-3'
Protein context (NP_000825.2, residues 660-680): VDQVSGLSDK[Lys670Met]FQRPNDFSPP